The following is an entry in ClinVar:

ClinVar aggregate classification (germline): Uncertain significance (1 of 4 stars; one submission).

Conditions:
Cardiovascular phenotype. Identifiers: MedGen CN230736.

Submission:

Ambry Genetics
Classification: Uncertain significance for Cardiovascular phenotype. Last evaluated: 2022-07-19. Review status: criteria provided, single submitter. Criteria: Ambry Variant Classification Scheme 2023. Collection method: clinical testing. Allele origin: germline.
Comment: The c.5803delG variant, located in coding exon 24 of the AKAP9 gene, results from a deletion of one nucleotide at nucleotide position 5803, causing a translational frameshift with a predicted alternate stop codon (p.E1935Kfs*10). This alteration is expected to result in premature protein truncation or nonsense-mediated mRNA decay. However, loss of function of AKAP9 has not been clearly established as a mechanism of disease. The evidence for this gene-disease relationship is limited; therefore, the clinical significance of this alteration is unclear.

NM_005751.5(AKAP9):c.5803del (p.Glu1935fs)

Gene: AKAP9 (A-kinase anchoring protein 9; plus strand). Cytogenetic location: 7q21.2.
Variant type: Deletion.
Coding change: c.5803del on transcript NM_005751.5 (MANE Select); coding-DNA position 5803, one base deleted (G; older notation c.5803delG).
Protein change: p.Glu1935fs; shifts the reading frame from glutamic acid 1935.
Molecular consequence: frameshift variant.
Genome position (GRCh38, 1-based): chr7:92,062,312, G deleted. VCF-style (leftmost placement, unchanged base first): chr7-92062311-TG-T. GRCh37 (hg19) VCF-style: chr7-91691625-TG-T.
Other names: c.448del, p.Glu150fs (NM_001379277.1); c.5803del, p.Glu1935fs (NM_147185.3); short protein forms E150fs, E1935fs.
Identifiers: ClinVar variation 1749797 (VCV001749797.2), dbSNP rs2535194794, ClinGen allele CA2580077444.